The following is an entry in ClinVar:

NM_002069.6(GNAI1):c.152A>G (p.Lys51Arg)

Gene: GNAI1 (G protein subunit alpha i1; plus strand). Cytogenetic location: 7q21.11.
Variant type: single nucleotide variant.
Coding change: c.152A>G on transcript NM_002069.6 (MANE Select); coding-DNA position 152, A replaced by G.
Protein change: p.Lys51Arg; replaces lysine 51 with arginine.
Molecular consequence: missense variant. On other transcripts: 5 prime UTR variant (1).
Genome position (GRCh38, 1-based): chr7:80,188,984, A>G. VCF-style: chr7-80188984-A-G. GRCh37 (hg19) VCF-style: chr7-79818300-A-G.
Other names: c.-5A>G (NM_001256414.2); short protein forms K51R.
Identifiers: ClinVar variation 3372897 (VCV003372897.1).

ClinVar aggregate classification (germline): Uncertain significance (1 of 4 stars; one submission).

Submission:

GeneDx
Classification: Uncertain significance. Last evaluated: 2024-04-19. Review status: criteria provided, single submitter. Criteria: GeneDx Variant Classification Process June 2021. Collection method: clinical testing. Allele origin: germline. Affected: yes.
Comment: Not observed at significant frequency in large population cohorts (gnomAD); In silico analysis supports that this missense variant does not alter protein structure/function; Has not been previously published as pathogenic or benign to our knowledge